The following is an entry in ClinVar:

ClinVar aggregate classification (germline): Uncertain significance (1 of 4 stars; one submission).

Allele frequency attached by ClinVar (database versions not stated): ExAC 0.00002; gnomAD exomes 0.00002; gnomAD 0.00003; ESP Exome Variant Server 0.00008.
gnomAD v4.1: 37 of 1,611,890 alleles (0.0023%); highest among the groups gnomAD compares: South Asian, 0.0088%; 1 homozygote.

Submission:

Labcorp Genetics (formerly Invitae), Labcorp
Classification: Uncertain significance. Last evaluated: 2023-08-17. Review status: criteria provided, single submitter. Criteria: Invitae Variant Classification Sherloc (09022015). Collection method: clinical testing. Allele origin: germline.
Comment: This variant has not been reported in the literature in individuals affected with CREB3L3-related conditions. This variant is present in population databases (rs376619280, gnomAD 0.01%), including at least one homozygous and/or hemizygous individual. This sequence change replaces valine, which is neutral and non-polar, with methionine, which is neutral and non-polar, at codon 40 of the CREB3L3 protein (p.Val40Met). ClinVar contains an entry for this variant (Variation ID: 1907945). In summary, the available evidence is currently insufficient to determine the role of this variant in disease. Therefore, it has been classified as a Variant of Uncertain Significance. Algorithms developed to predict the effect of missense changes on protein structure and function output the following: SIFT: "Not Available"; PolyPhen-2: "Probably Damaging"; Align-GVGD: "Not Available". The methionine amino acid residue is found in multiple mammalian species, which suggests that this missense change does not adversely affect protein function.

NM_032607.3(CREB3L3):c.118G>A (p.Val40Met)

Gene: CREB3L3 (cAMP responsive element binding protein 3 like 3; plus strand). Cytogenetic location: 19p13.3.
Variant type: single nucleotide variant.
Coding change: c.118G>A on transcript NM_032607.3 (MANE Select); coding-DNA position 118, G replaced by A.
Protein change: p.Val40Met; replaces valine 40 with methionine.
Molecular consequence: missense variant.
Genome position (GRCh38, 1-based): chr19:4,154,989, G>A. VCF-style: chr19-4154989-G-A. GRCh37 (hg19) VCF-style: chr19-4154986-G-A.
Other names: c.118G>A, p.Val40Met (NM_001271995.2, NM_001271996.2, NM_001271997.2); short protein forms V40M.
Identifiers: ClinVar variation 1907945 (VCV001907945.5), dbSNP rs376619280, ClinGen allele CA9091201.